The following is an entry in ClinVar:

ClinVar aggregate classification (germline): Uncertain significance (1 of 4 stars; one submission).

gnomAD v4.1: 1 of 1,613,652 alleles (0.000062%); highest among the groups gnomAD compares: Non-Finnish European, 0.000085%; no homozygotes.

Submission:

Labcorp Genetics (formerly Invitae), Labcorp
Classification: Uncertain significance. Last evaluated: 2024-01-21. Review status: criteria provided, single submitter. Criteria: Invitae Variant Classification Sherloc (09022015). Collection method: clinical testing. Allele origin: germline.
Comment: This sequence change replaces glycine, which is neutral and non-polar, with alanine, which is neutral and non-polar, at codon 1156 of the ARHGEF10 protein (p.Gly1156Ala). This variant is not present in population databases (gnomAD no frequency). This variant has not been reported in the literature in individuals affected with ARHGEF10-related conditions. Advanced modeling of protein sequence and biophysical properties (such as structural, functional, and spatial information, amino acid conservation, physicochemical variation, residue mobility, and thermodynamic stability) performed at Invitae indicates that this missense variant is expected to disrupt ARHGEF10 protein function with a positive predictive value of 80%. In summary, the available evidence is currently insufficient to determine the role of this variant in disease. Therefore, it has been classified as a Variant of Uncertain Significance.

NM_014629.4(ARHGEF10):c.3467G>C (p.Gly1156Ala)

Gene: ARHGEF10 (Rho guanine nucleotide exchange factor 10; plus strand). Cytogenetic location: 8p23.3.
Variant type: single nucleotide variant.
Coding change: c.3467G>C on transcript NM_014629.4 (MANE Select); coding-DNA position 3467, G replaced by C.
Protein change: p.Gly1156Ala; replaces glycine 1156 with alanine.
Molecular consequence: missense variant.
Genome position (GRCh38, 1-based): chr8:1,952,774, G>C. VCF-style: chr8-1952774-G-C. GRCh37 (hg19) VCF-style: chr8-1900940-G-C.
Other names: c.3353G>C, p.Gly1118Ala (NM_001308152.2); c.3467G>C, p.Gly1156Ala (NM_001308153.3); short protein forms G1156A, G1118A, G1180A.
Identifiers: ClinVar variation 3010041 (VCV003010041.3), dbSNP rs2538317052, ClinGen allele CA369957507.